The following is an entry in ClinVar:

NM_181882.3(PRX):c.718C>T (p.Arg240Trp)

Gene: PRX (periaxin; minus strand). Cytogenetic location: 19q13.2.
Variant type: single nucleotide variant.
Coding change: c.718C>T on transcript NM_181882.3 (MANE Select); coding-DNA position 718, C replaced by T.
Protein change: p.Arg240Trp; replaces arginine 240 with tryptophan.
Molecular consequence: missense variant. On other transcripts: 3 prime UTR variant (1).
Genome position (GRCh38, 1-based): chr19:40,397,634, G>A on the plus strand (C>T on the coding strand, the complement: PRX is on the minus strand). VCF-style: chr19-40397634-G-A. GRCh37 (hg19) VCF-style: chr19-40903541-G-A.
Other names: p.Arg240Trp; c.*923C>T (NM_020956.2); short protein forms R240W.
Identifiers: ClinVar variation 543373 (VCV000543373.11), dbSNP rs199863083, ClinGen allele CA9444392.

ClinVar aggregate classification (germline): Uncertain significance. Review status: criteria provided, multiple submitters, no conflicts (2 of 4 stars). 6 submissions from 5 submitters: Uncertain significance (6). Last evaluated 2025-04-17.

Conditions:
Dejerine-Sottas disease. Also called: DEJERINE-SOTTAS NEUROPATHY; HEREDITARY MOTOR AND SENSORY NEUROPATHY TYPE III; Charcot-Marie-Tooth disease type 3; HMSN Type III; Hereditary motor and sensory neuropathy 3. Identifiers: Orphanet 64748, MedGen C0011195, MONDO:0007790, OMIM 145900.
Charcot-Marie-Tooth disease type 4F. Also called: Charcot-Marie-Tooth disease, demyelinating, type 4F. Identifiers: Orphanet 99952, MedGen C3540453, MONDO:0013959, OMIM 614895.
Charcot-Marie-Tooth disease type 4. Also called: Charcot-Marie-Tooth, Type 4; Charcot-Marie-Tooth disease, type IV. Identifiers: Orphanet 64749, MedGen C4082197, MONDO:0018995.
Inborn genetic diseases. Identifiers: MedGen C0950123, MeSH D030342.

Allele frequency attached by ClinVar (database versions not stated): ExAC 0.00008; TOPMed 0.00008; gnomAD 0.00011; 1000 Genomes Project 30x 0.00016; 1000 Genomes Project 0.00020.
gnomAD v4.1: 43 of 1,543,530 alleles (0.0028%); highest among the groups gnomAD compares: African/African-American, 0.024%; no homozygotes.

Submissions (6):

Ambry Genetics
Classification: Uncertain significance for Inborn genetic diseases. Last evaluated: 2025-04-17. Review status: criteria provided, single submitter. Criteria: Ambry Variant Classification Scheme 2023. Collection method: clinical testing. Allele origin: germline.

Women's Health and Genetics/Laboratory Corporation of America, LabCorp
Classification: Uncertain significance. Last evaluated: 2025-02-19. Review status: criteria provided, single submitter. Criteria: LabCorp Variant Classification Summary - May 2015. Collection method: clinical testing. Allele origin: germline.
Comment: Variant summary: PRX c.718C>T (p.Arg240Trp) results in a non-conservative amino acid change in the encoded protein sequence. Three of five in-silico tools predict a damaging effect of the variant on protein function. The variant allele was found at a frequency of 6.4e-05 in 140728 control chromosomes. The available data on variant occurrences in the general population are insufficient to allow any conclusion about variant significance. To our knowledge, no occurrence of c.718C>T in individuals affected with Charcot-Marie-Tooth disease type 4F and no experimental evidence demonstrating its impact on protein function have been reported. ClinVar contains an entry for this variant (Variation ID: 543373). Based on the evidence outlined above, the variant was classified as uncertain significance.

Mayo Clinic Laboratories, Mayo Clinic
Classification: Uncertain significance. Last evaluated: 2024-01-31. Review status: criteria provided, single submitter. Criteria: ACMG Guidelines, 2015. Collection method: clinical testing. Allele origin: germline. Observed: 1 variant allele.
Comment: BP4

Labcorp Genetics (formerly Invitae), Labcorp
Classification: Uncertain significance for Charcot-Marie-Tooth disease type 4. Last evaluated: 2022-08-19. Review status: criteria provided, single submitter. Criteria: Invitae Variant Classification Sherloc (09022015). Collection method: clinical testing. Allele origin: germline.
Comment: This sequence change replaces arginine, which is basic and polar, with tryptophan, which is neutral and slightly polar, at codon 240 of the PRX protein (p.Arg240Trp). This variant is present in population databases (rs199863083, gnomAD 0.05%). This variant has not been reported in the literature in individuals affected with PRX-related conditions. ClinVar contains an entry for this variant (Variation ID: 543373). Algorithms developed to predict the effect of missense changes on protein structure and function are either unavailable or do not agree on the potential impact of this missense change (SIFT: "Deleterious"; PolyPhen-2: "Possibly Damaging"; Align-GVGD: "Class C15"). In summary, the available evidence is currently insufficient to determine the role of this variant in disease. Therefore, it has been classified as a Variant of Uncertain Significance.

Baylor Genetics
Classification: Uncertain significance for Charcot-Marie-Tooth disease type 4F. Last evaluated: 2022-05-26. Review status: criteria provided, single submitter. Criteria: ACMG Guidelines, 2015. Collection method: clinical testing. Allele origin: unknown.

Baylor Genetics
Classification: Uncertain significance for Dejerine-Sottas disease. Last evaluated: 2022-05-26. Review status: criteria provided, single submitter. Criteria: ACMG Guidelines, 2015. Collection method: clinical testing. Allele origin: unknown.